The following is an entry in ClinVar:

ClinVar aggregate classification (germline): Uncertain significance (1 of 4 stars; one submission).

Allele frequency attached by ClinVar (database versions not stated): ExAC 0.00001; gnomAD 0.00001; TOPMed 0.00001; gnomAD exomes 0.00003.
gnomAD v4.1: 55 of 1,610,580 alleles (0.0034%); highest among the groups gnomAD compares: Non-Finnish European, 0.0038%; no homozygotes.

Submission:

Labcorp Genetics (formerly Invitae), Labcorp
Classification: Uncertain significance. Last evaluated: 2023-08-30. Review status: criteria provided, single submitter. Criteria: Invitae Variant Classification Sherloc (09022015). Collection method: clinical testing. Allele origin: germline.
Comment: This variant has not been reported in the literature in individuals affected with DOCK6-related conditions. In summary, the available evidence is currently insufficient to determine the role of this variant in disease. Therefore, it has been classified as a Variant of Uncertain Significance. Advanced modeling of protein sequence and biophysical properties (such as structural, functional, and spatial information, amino acid conservation, physicochemical variation, residue mobility, and thermodynamic stability) performed at Invitae indicates that this missense variant is expected to disrupt DOCK6 protein function. ClinVar contains an entry for this variant (Variation ID: 1974101). This variant is present in population databases (rs767376766, gnomAD 0.002%). This sequence change replaces proline, which is neutral and non-polar, with leucine, which is neutral and non-polar, at codon 53 of the DOCK6 protein (p.Pro53Leu).

NM_020812.4(DOCK6):c.158C>T (p.Pro53Leu)

Gene: DOCK6 (dedicator of cytokinesis 6; minus strand). Cytogenetic location: 19p13.2.
Variant type: single nucleotide variant.
Coding change: c.158C>T on transcript NM_020812.4 (MANE Select); coding-DNA position 158, C replaced by T.
Protein change: p.Pro53Leu; replaces proline 53 with leucine.
Molecular consequence: missense variant.
Genome position (GRCh38, 1-based): chr19:11,252,933, G>A on the plus strand (C>T on the coding strand, the complement: DOCK6 is on the minus strand). VCF-style: chr19-11252933-G-A. GRCh37 (hg19) VCF-style: chr19-11363609-G-A.
Other names: c.158C>T, p.Pro53Leu (NM_001367830.1); short protein forms P53L.
Identifiers: ClinVar variation 1974101 (VCV001974101.5), dbSNP rs767376766, ClinGen allele CA9208607.